The following is an entry in ClinVar:

NM_133433.4(NIPBL):c.4239+7T>C

Gene: NIPBL (NIPBL cohesin loading factor; plus strand). Cytogenetic location: 5p13.2.
Variant type: single nucleotide variant.
Coding change: c.4239+7T>C on transcript NM_133433.4 (MANE Select); 7 bases into the intron after coding-DNA position 4239, T replaced by C.
Molecular consequence: intron variant.
Genome position (GRCh38, 1-based): chr5:37,007,481, T>C. VCF-style: chr5-37007481-T-C. GRCh37 (hg19) VCF-style: chr5-37007583-T-C.
Other names: c.4239+7T>C (NM_133433.3, NM_015384.5).
Identifiers: ClinVar variation 2753104 (VCV002753104.4), dbSNP rs2478158871, ClinGen allele CA2697547125.

ClinVar aggregate classification (germline): Conflicting classifications of pathogenicity. Review status: criteria provided, conflicting classifications (1 of 4 stars). 2 submissions from 2 submitters: Uncertain significance (1); Likely benign (1). Last evaluated 2025-04-10.

Conditions:
Cornelia de Lange syndrome 1 (CDLS1). Also called: TYPUS DEGENERATIVUS AMSTELODAMENSIS; Brachmann de Lange syndrome; NIPBL-Related Cornelia de Lange Syndrome. Identifiers: Orphanet 199, MedGen C4551851, MONDO:0007387, OMIM 122470.

Submissions (2):

Athena Diagnostics
Classification: Uncertain significance. Last evaluated: 2025-04-10. Review status: criteria provided, single submitter. Criteria: Athena Diagnostics Criteria. Collection method: clinical testing. Allele origin: unknown.
Comment: Available data are insufficient to determine the clinical significance of the variant at this time. This variant has not been reported in large, multi-ethnic general populations. Computational tools yielded predictions that this variant is unlikely to have an effect on normal RNA splicing.

Labcorp Genetics (formerly Invitae), Labcorp
Classification: Likely benign for Cornelia de Lange syndrome 1. Last evaluated: 2023-08-16. Review status: criteria provided, single submitter. Criteria: Invitae Variant Classification Sherloc (09022015). Collection method: clinical testing. Allele origin: germline.